The following is an entry in ClinVar:

ClinVar aggregate classification (germline): Uncertain significance. Review status: criteria provided, multiple submitters, no conflicts (2 of 4 stars). 2 submissions from 2 submitters: Uncertain significance (2). Last evaluated 2025-03-03.

Conditions:
Hereditary cancer-predisposing syndrome. Also called: Hereditary Cancer Syndrome; Hereditary neoplastic syndrome; Tumor predisposition; Neoplastic Syndromes, Hereditary. Identifiers: Orphanet 140162, MedGen C0027672, MeSH D009386, MONDO:0015356.

Allele frequency attached by ClinVar (database versions not stated): gnomAD exomes below 0.00001.
gnomAD v4.1: 1 of 1,547,968 alleles (0.000065%); highest among the groups gnomAD compares: Non-Finnish European, 0.000087%; no homozygotes.

Submissions (2):

Ambry Genetics
Classification: Uncertain significance for Hereditary cancer-predisposing syndrome. Last evaluated: 2025-03-03. Review status: criteria provided, single submitter. Criteria: Ambry Variant Classification Scheme 2023. Collection method: clinical testing. Allele origin: germline.
Comment: The p.L22F variant (also known as c.66A>C), located in coding exon 1 of the FH gene, results from an A to C substitution at nucleotide position 66. The leucine at codon 22 is replaced by phenylalanine, an amino acid with highly similar properties. This amino acid position is poorly conserved in available vertebrate species. In addition, this alteration is predicted to be tolerated by in silico analysis. Based on the available evidence, the clinical significance of this variant remains unclear.

Labcorp Genetics (formerly Invitae), Labcorp
Classification: Uncertain significance. Last evaluated: 2024-10-24. Review status: criteria provided, single submitter. Criteria: Invitae Variant Classification Sherloc (09022015). Collection method: clinical testing. Allele origin: germline.
Comment: This sequence change replaces leucine, which is neutral and non-polar, with phenylalanine, which is neutral and non-polar, at codon 22 of the FH protein (p.Leu22Phe). This variant is not present in population databases (gnomAD no frequency). This variant has not been reported in the literature in individuals affected with FH-related conditions. Invitae Evidence Modeling of protein sequence and biophysical properties (such as structural, functional, and spatial information, amino acid conservation, physicochemical variation, residue mobility, and thermodynamic stability) indicates that this missense variant is not expected to disrupt FH protein function with a negative predictive value of 95%. In summary, the available evidence is currently insufficient to determine the role of this variant in disease. Therefore, it has been classified as a Variant of Uncertain Significance.

NM_000143.4(FH):c.66A>C (p.Leu22Phe)

Gene: FH (fumarate hydratase; minus strand). Cytogenetic location: 1q43.
Variant type: single nucleotide variant.
Coding change: c.66A>C on transcript NM_000143.4 (MANE Select); coding-DNA position 66, A replaced by C.
Protein change: p.Leu22Phe; replaces leucine 22 with phenylalanine.
Molecular consequence: missense variant.
Genome position (GRCh38, 1-based): chr1:241,519,657, T>G on the plus strand (A>C on the coding strand, the complement: FH is on the minus strand). VCF-style: chr1-241519657-T-G. GRCh37 (hg19) VCF-style: chr1-241682957-T-G.
Other names: short protein forms L22F.
Identifiers: ClinVar variation 2884119 (VCV002884119.4), dbSNP rs2527345394, ClinGen allele CA345442865.